The following is an entry in ClinVar:

NM_021076.4(NEFH):c.2601G>T (p.Lys867Asn)

Gene: NEFH (neurofilament heavy chain; plus strand). Cytogenetic location: 22q12.2.
Variant type: single nucleotide variant.
Coding change: c.2601G>T on transcript NM_021076.4 (MANE Select); coding-DNA position 2601, G replaced by T.
Protein change: p.Lys867Asn; replaces lysine 867 with asparagine.
Molecular consequence: missense variant.
Genome position (GRCh38, 1-based): chr22:29,490,241, G>T. VCF-style: chr22-29490241-G-T. GRCh37 (hg19) VCF-style: chr22-29886230-G-T.
Other names: p.Lys867Asn; short protein forms K867N.
Identifiers: ClinVar variation 789681 (VCV000789681.17), dbSNP rs138156220, ClinGen allele CA10174460.

ClinVar aggregate classification (germline): Benign/Likely benign. Review status: criteria provided, multiple submitters, no conflicts (2 of 4 stars). 6 submissions from 6 submitters: Benign (2); Likely benign (2). 2 of the submissions do not count toward it. Last evaluated 2025-12-29.

Conditions:
NEFH-related disorder. Also called: NEFH-related condition.
Inborn genetic diseases. Identifiers: MedGen C0950123, MeSH D030342.

Allele frequency attached by ClinVar (database versions not stated): 1000 Genomes Project 30x 0.00016; 1000 Genomes Project 0.00020; gnomAD exomes 0.00020 and 0.00040; ExAC 0.00050; gnomAD 0.00159 and 0.00178; TOPMed 0.00201; ESP Exome Variant Server 0.00215.

Submissions (6):

Labcorp Genetics (formerly Invitae), Labcorp
Classification: Benign. Last evaluated: 2025-12-29. Review status: criteria provided, single submitter. Criteria: Invitae Variant Classification Sherloc (09022015). Collection method: clinical testing. Allele origin: germline.

Mayo Clinic Laboratories, Mayo Clinic
Classification: Likely benign. Last evaluated: 2024-10-31. Review status: criteria provided, single submitter. Criteria: ACMG Guidelines, 2015. Collection method: clinical testing. Allele origin: germline. Observed: 3 variant alleles.
Comment: BA1

Ambry Genetics
Classification: Likely benign for Inborn genetic diseases. Last evaluated: 2019-11-15. Review status: criteria provided, single submitter. Criteria: Ambry Variant Classification Scheme 2023. Collection method: clinical testing. Allele origin: germline.

Breakthrough Genomics
Classification: Benign. Review status: criteria provided, single submitter. Criteria: ACMG Guidelines, 2015. Collection method: not provided. Allele origin: germline. Inheritance: Autosomal recessive inheritance. Affected: yes.

PreventionGenetics, part of Exact Sciences
Classification: Likely benign for NEFH-related condition. Last evaluated: 2023-04-12. Review status: no assertion criteria provided. Collection method: clinical testing. Allele origin: germline. Not counted in ClinVar's aggregate classification.
Comment: This variant is classified as likely benign based on ACMG/AMP sequence variant interpretation guidelines (Richards et al. 2015 PMID: 25741868, with internal and published modifications).

Department of Pathology and Laboratory Medicine, Sinai Health System
Classification: Likely benign. Review status: no assertion criteria provided. Collection method: clinical testing. Allele origin: unknown. Affected: yes. Study: The Canadian Open Genetics Repository (COGR). Not counted in ClinVar's aggregate classification.
Comment: The NEFH p.Lys867Asn variant was identified in 1 of 380 proband chromosomes (frequency: 0.0026) from individuals with amyotrophic lateral sclerosis and was not identified in 380 control chromosomes from healthy individuals (Daoud_2011_PMID:21220648). The variant was identified in dbSNP (ID: rs138156220) and ClinVar (classified as benign by Invitae). The variant was identified in control databases in 144 of 274484 chromosomes at a frequency of 0.0005246 increasing the likelihood this could be a low frequency benign variant (Genome Aggregation Database March 6, 2019, v2.1.1). The variant was observed in the following populations: African in 122 of 24320 chromosomes (freq: 0.005016), Latino in 21 of 34474 chromosomes (freq: 0.000609) and East Asian in 1 of 19360 chromosomes (freq: 0.000052), but was not observed in the Ashkenazi Jewish, European (Finnish), European (non-Finnish), Other, or South Asian populations. The p.Lys867 residue is conserved in mammals and four of five computational analyses (PolyPhen-2, SIFT, AlignGVGD, BLOSUM, MutationTaster) suggest that the variant may impact the protein. The variant occurs outside of the splicing consensus sequence and in silico or computational prediction software programs (SpliceSiteFinder, MaxEntScan, NNSPLICE, GeneSplicer) do not predict a difference in splicing. In summary, based on the above information the clinical significance of this variant cannot be determined with certainty at this time although we would lean towards a more benign role for this variant. This variant is classified as likely benign.

Literature cited by the submitters: PubMed 21220648 (cited by Mayo Clinic Laboratories, Mayo Clinic); PubMed 23447461 (cited by Mayo Clinic Laboratories, Mayo Clinic).